The following is an entry in ClinVar:

NM_144997.7(FLCN):c.590T>C (p.Ile197Thr)

Gene: FLCN (folliculin; minus strand). Cytogenetic location: 17p11.2.
Variant type: single nucleotide variant.
Coding change: c.590T>C on transcript NM_144997.7 (MANE Select); coding-DNA position 590, T replaced by C.
Protein change: p.Ile197Thr; replaces isoleucine 197 with threonine.
Molecular consequence: missense variant.
Genome position (GRCh38, 1-based): chr17:17,223,950, A>G on the plus strand (T>C on the coding strand, the complement: FLCN is on the minus strand). VCF-style: chr17-17223950-A-G. GRCh37 (hg19) VCF-style: chr17-17127264-A-G.
Other names: c.644T>C, p.Ile215Thr (NM_001353229.2); c.590T>C, p.Ile197Thr (NM_001353230.2, NM_001353231.2, NM_144606.7); short protein forms I197T, I215T.
Identifiers: ClinVar variation 3850590 (VCV003850590.1).

ClinVar aggregate classification (germline): Uncertain significance (1 of 4 stars; one submission).

Conditions:
Hereditary cancer-predisposing syndrome. Also called: Hereditary neoplastic syndrome; Neoplastic Syndromes, Hereditary; Tumor predisposition; Hereditary Cancer Syndrome. Identifiers: Orphanet 140162, MedGen C0027672, MeSH D009386, MONDO:0015356.

Submission:

Ambry Genetics
Classification: Uncertain significance for Hereditary cancer-predisposing syndrome. Last evaluated: 2025-03-02. Review status: criteria provided, single submitter. Criteria: Ambry Variant Classification Scheme 2023. Collection method: clinical testing. Allele origin: germline.
Comment: The p.I197T variant (also known as c.590T>C), located in coding exon 3 of the FLCN gene, results from a T to C substitution at nucleotide position 590. The isoleucine at codon 197 is replaced by threonine, an amino acid with similar properties. This amino acid position is conserved. In addition, this alteration is predicted to be deleterious by in silico analysis. Based on the available evidence, the clinical significance of this variant remains unclear.